The following is an entry in ClinVar:

NM_000742.4(CHRNA2):c.1127G>A (p.Arg376Gln)

Gene: CHRNA2 (cholinergic receptor nicotinic alpha 2 subunit; minus strand). Cytogenetic location: 8p21.2.
Variant type: single nucleotide variant.
Coding change: c.1127G>A on transcript NM_000742.4 (MANE Select); coding-DNA position 1127, G replaced by A.
Protein change: p.Arg376Gln; replaces arginine 376 with glutamine.
Molecular consequence: missense variant.
Genome position (GRCh38, 1-based): chr8:27,463,316, C>T on the plus strand (G>A on the coding strand, the complement: CHRNA2 is on the minus strand). VCF-style: chr8-27463316-C-T. GRCh37 (hg19) VCF-style: chr8-27320833-C-T.
Other names: c.1082G>A, p.Arg361Gln (NM_001282455.2); c.650G>A, p.Arg217Gln (NM_001347705.2, NM_001347706.2); c.533G>A, p.Arg178Gln (NM_001347707.2, NM_001347708.2); short protein forms R376Q, R217Q, R361Q, R178Q.
Identifiers: ClinVar variation 543524 (VCV000543524.48), dbSNP rs374512926, ClinGen allele CA4689522.
Genomic context (GRCh38, chr8:27,463,316, plus strand): 5'-TTCAGGCGTAGGGGGTGGCAGAGCTCCACGGGTGGTGGGGGCCGGTTCATCAGAAGCCAC[C>T]GGGGCACACAGCCCAGAAGGGCCCCCCGCACCCAGTGGGGCATGGTGTGGGTGCTGGGGG-3'
Protein context (NP_000733.2, residues 366-386): VRGALLGCVP[Arg376Gln]WLLMNRPPPP

ClinVar aggregate classification (germline): Uncertain significance. Review status: criteria provided, multiple submitters, no conflicts (2 of 4 stars). 3 submissions from 3 submitters: Uncertain significance (3). Last evaluated 2025-02-20.

Conditions:
Familial sleep-related hypermotor epilepsy. Also called: Autosomal Dominant Sleep-Related Hypermotor (Hyperkinetic) Epilepsy. Identifiers: Orphanet 98784, MedGen C3696898, MONDO:0000030.

Allele frequency attached by ClinVar (database versions not stated): gnomAD exomes 0.00002; ExAC 0.00003; ESP Exome Variant Server 0.00008.

Submissions (3):

Women's Health and Genetics/Laboratory Corporation of America, LabCorp
Classification: Uncertain significance. Last evaluated: 2025-02-20. Review status: criteria provided, single submitter. Criteria: LabCorp Variant Classification Summary - May 2015. Collection method: clinical testing. Allele origin: germline.
Comment: Variant summary: CHRNA2 c.1127G>A (p.Arg376Gln) results in a conservative amino acid change in the encoded protein sequence. Three of five in-silico tools predict a benign effect of the variant on protein function. The variant allele was found at a frequency of 2e-05 in 248210 control chromosomes. The available data on variant occurrences in the general population are insufficient to allow any conclusion about variant significance. To our knowledge, no occurrence of c.1127G>A in individuals affected with Autosomal Dominant Nocturnal Frontal Lobe Epilepsy 4 and no experimental evidence demonstrating its impact on protein function have been reported. ClinVar contains an entry for this variant (Variation ID: 543524). Based on the evidence outlined above, the variant was classified as uncertain significance.

Labcorp Genetics (formerly Invitae), Labcorp
Classification: Uncertain significance. Last evaluated: 2022-02-10. Review status: criteria provided, single submitter. Criteria: Invitae Variant Classification Sherloc (09022015). Collection method: clinical testing. Allele origin: germline.
Comment: In summary, the available evidence is currently insufficient to determine the role of this variant in disease. Therefore, it has been classified as a Variant of Uncertain Significance. Algorithms developed to predict the effect of sequence changes on RNA splicing suggest that this variant may create or strengthen a splice site. Advanced modeling of protein sequence and biophysical properties (such as structural, functional, and spatial information, amino acid conservation, physicochemical variation, residue mobility, and thermodynamic stability) performed at Invitae indicates that this missense variant is not expected to disrupt CHRNA2 protein function. ClinVar contains an entry for this variant (Variation ID: 543524). This variant has not been reported in the literature in individuals affected with CHRNA2-related conditions. This variant is present in population databases (rs374512926, gnomAD 0.006%). This sequence change replaces arginine, which is basic and polar, with glutamine, which is neutral and polar, at codon 376 of the CHRNA2 protein (p.Arg376Gln).

CeGaT Center for Human Genetics Tuebingen
Classification: Uncertain significance. Last evaluated: 2016-05-01. Review status: criteria provided, single submitter. Criteria: CeGaT Center For Human Genetics Tuebingen Variant Classification Criteria Version 2. Collection method: clinical testing. Allele origin: germline. Affected: yes. Observed: 1 variant allele.